The following is an entry in ClinVar:

NM_019594.4(LRRC8A):c.211G>A (p.Gly71Ser)

Gene: LRRC8A (leucine rich repeat containing 8 VRAC subunit A; plus strand). Cytogenetic location: 9q34.11.
Variant type: single nucleotide variant.
Coding change: c.211G>A on transcript NM_019594.4 (MANE Select); coding-DNA position 211, G replaced by A.
Protein change: p.Gly71Ser; replaces glycine 71 with serine.
Molecular consequence: missense variant.
Genome position (GRCh38, 1-based): chr9:128,907,375, G>A. VCF-style: chr9-128907375-G-A. GRCh37 (hg19) VCF-style: chr9-131669654-G-A.
Other names: c.211G>A (NM_001127244.1); c.211G>A, p.Gly71Ser (NM_001127244.2, NM_001127245.2); short protein forms G71S.
Identifiers: ClinVar variation 2163944 (VCV002163944.5), dbSNP rs144778925, ClinGen allele CA5270678.

ClinVar aggregate classification (germline): Uncertain significance. Review status: criteria provided, multiple submitters, no conflicts (2 of 4 stars). 2 submissions from 2 submitters: Uncertain significance (2). Last evaluated 2025-06-23.

Allele frequency attached by ClinVar (database versions not stated): gnomAD 0.00001; ExAC 0.00003.
gnomAD v4.1: 13 of 1,613,412 alleles (0.00081%); highest among the groups gnomAD compares: Admixed American, 0.022%; no homozygotes.

Submissions (2):

Labcorp Genetics (formerly Invitae), Labcorp
Classification: Uncertain significance. Last evaluated: 2025-06-23. Review status: criteria provided, single submitter. Criteria: Invitae Variant Classification Sherloc (09022015). Collection method: clinical testing. Allele origin: germline.
Comment: This sequence change replaces glycine, which is neutral and non-polar, with serine, which is neutral and polar, at codon 71 of the LRRC8A protein (p.Gly71Ser). This variant is present in population databases (rs144778925, gnomAD 0.03%). This variant has not been reported in the literature in individuals affected with LRRC8A-related conditions. ClinVar contains an entry for this variant (Variation ID: 2163944). An algorithm developed to predict the effect of missense changes on protein structure and function outputs the following: PolyPhen-2: "Benign". The serine amino acid residue is found in multiple mammalian species, which suggests that this missense change does not adversely affect protein function. In summary, the available evidence is currently insufficient to determine the role of this variant in disease. Therefore, it has been classified as a Variant of Uncertain Significance.

Ambry Genetics
Classification: Uncertain significance. Last evaluated: 2024-04-12. Review status: criteria provided, single submitter. Criteria: Ambry Variant Classification Scheme 2023. Collection method: clinical testing. Allele origin: germline.